The following is an entry in ClinVar:

ClinVar aggregate classification (germline): Uncertain significance. Review status: criteria provided, multiple submitters, no conflicts (2 of 4 stars). 5 submissions from 5 submitters: Uncertain significance (4). 1 of the submissions does not count toward it. Last evaluated 2026-02-02.

Conditions:
Hereditary cancer-predisposing syndrome. Also called: Hereditary Cancer Syndrome; Hereditary neoplastic syndrome; Neoplastic Syndromes, Hereditary; Tumor predisposition. Identifiers: Orphanet 140162, MedGen C0027672, MeSH D009386, MONDO:0015356.

Allele frequency attached by ClinVar (database versions not stated): gnomAD 0.00003; TOPMed 0.00003; ExAC 0.00008; gnomAD exomes 0.00008.
gnomAD v4.1: 51 of 1,613,486 alleles (0.0032%); highest among the groups gnomAD compares: Middle Eastern, 0.016%; no homozygotes.

Submissions (5):

Labcorp Genetics (formerly Invitae), Labcorp
Classification: Uncertain significance. Last evaluated: 2026-02-02. Review status: criteria provided, single submitter. Criteria: Invitae Variant Classification Sherloc (09022015). Collection method: clinical testing. Allele origin: germline.
Comment: This sequence change replaces arginine, which is basic and polar, with cysteine, which is neutral and slightly polar, at codon 1324 of the POLE protein (p.Arg1324Cys). This variant is present in population databases (rs779464847, gnomAD 0.02%). This variant has not been reported in the literature in individuals affected with POLE-related conditions. ClinVar contains an entry for this variant (Variation ID: 405784). Invitae Evidence Modeling of protein sequence and biophysical properties (such as structural, functional, and spatial information, amino acid conservation, physicochemical variation, residue mobility, and thermodynamic stability) indicates that this missense variant is not expected to disrupt POLE protein function with a negative predictive value of 80%. In summary, the available evidence is currently insufficient to determine the role of this variant in disease. Therefore, it has been classified as a Variant of Uncertain Significance.

Ambry Genetics
Classification: Uncertain significance for Hereditary cancer-predisposing syndrome. Last evaluated: 2024-12-13. Review status: criteria provided, single submitter. Criteria: Ambry Variant Classification Scheme 2023. Collection method: clinical testing. Allele origin: germline.
Comment: The p.R1324C variant (also known as c.3970C>T), located in coding exon 31 of the POLE gene, results from a C to T substitution at nucleotide position 3970. The arginine at codon 1324 is replaced by cysteine, an amino acid with highly dissimilar properties. This amino acid position is conserved. In addition, this alteration is predicted to be deleterious by in silico analysis. Based on the available evidence, the clinical significance of this variant remains unclear.

GeneDx
Classification: Uncertain significance. Last evaluated: 2024-03-14. Review status: criteria provided, single submitter. Criteria: GeneDx Variant Classification Process June 2021. Collection method: clinical testing. Allele origin: germline. Affected: yes.
Comment: In silico analysis supports that this missense variant has a deleterious effect on protein structure/function; Observed in an individual with colorectal cancer (PMID: 37965459); This variant is associated with the following publications: (PMID: 29056344, 32546565, 37965459)

Quest Diagnostics Nichols Institute San Juan Capistrano
Classification: Uncertain significance. Last evaluated: 2018-03-25. Review status: criteria provided, single submitter. Criteria: Quest Diagnostics criteria. Collection method: clinical testing. Allele origin: germline.

True Health Diagnostics
Classification: Uncertain significance for Hereditary cancer-predisposing syndrome. Last evaluated: 2018-04-27. Review status: no assertion criteria provided. Collection method: clinical testing. Allele origin: germline. Not counted in ClinVar's aggregate classification.

NM_006231.4(POLE):c.3970C>T (p.Arg1324Cys)

Gene: POLE (DNA polymerase epsilon, catalytic subunit; minus strand). Cytogenetic location: 12q24.33.
Variant type: single nucleotide variant.
Coding change: c.3970C>T on transcript NM_006231.4 (MANE Select); coding-DNA position 3970, C replaced by T.
Protein change: p.Arg1324Cys; replaces arginine 1324 with cysteine.
Molecular consequence: missense variant.
Genome position (GRCh38, 1-based): chr12:132,649,341, G>A on the plus strand (C>T on the coding strand, the complement: POLE is on the minus strand). VCF-style: chr12-132649341-G-A. GRCh37 (hg19) VCF-style: chr12-133225927-G-A.
Other names: short protein forms R1324C.
Identifiers: ClinVar variation 405784 (VCV000405784.21), dbSNP rs779464847, ClinGen allele CA6893043.
Genomic context (GRCh38, chr12:132,649,341, plus strand): 5'-CCTCCCCTTGGATCAAGGTCTATACCTGCACAATCTGCCACGGAAGGTCCAGGATGCTGC[G>A]GGCAGTTCTTCGCAAGAAGCTCCCCAGCCCCGTGGCAGGACCATCCCGGATGGCCCCGGG-3'
Protein context (NP_006222.2, residues 1314-1334): GLGSFLRRTA[Arg1324Cys]SILDLPWQIV